The following is an entry in ClinVar:

NM_001369.3(DNAH5):c.5684_5693delinsCCCAAGGGG (p.His1895fs)

Gene: DNAH5 (dynein axonemal heavy chain 5; minus strand). Cytogenetic location: 5p15.2.
Variant type: Indel.
Coding change: c.5684_5693delinsCCCAAGGGG on transcript NM_001369.3 (MANE Select); coding-DNA positions 5684 to 5693, ACCAAAGGGA replaced by CCCAAGGGG.
Protein change: p.His1895fs; shifts the reading frame from histidine 1895.
Molecular consequence: frameshift variant.
Genome position (GRCh38, 1-based): chr5:13,840,922-13,840,931, TCCCTTTGGT replaced by CCCCTTGGG on the plus strand (ACCAAAGGGA replaced by CCCAAGGGG on the coding strand, the reverse complement: DNAH5 is on the minus strand). VCF-style: chr5-13840922-TCCCTTTGGT-CCCCTTGGG. GRCh37 (hg19) VCF-style: chr5-13841031-TCCCTTTGGT-CCCCTTGGG.
Other names: short protein forms H1895fs.
Identifiers: ClinVar variation 4814899 (VCV004814899.1).

ClinVar aggregate classification (germline): Likely pathogenic (1 of 4 stars; one submission).

Conditions:
Primary ciliary dyskinesia. Also called: Ciliary dyskinesia. Identifiers: Orphanet 244, MedGen C0008780, MONDO:0016575, HP:0012265.

Submission:

Natera, Inc.
Classification: Likely pathogenic for Primary ciliary dyskinesia. Last evaluated: 2024-05-29. Review status: criteria provided, single submitter. Criteria: Natera Variant Classification Schema (03/2026). Collection method: clinical testing. Allele origin: germline.
Comment: The c.5684_5693delinsCCCAAGGGG variant in DNAH5 is a frameshift variant predicted to shift the reading frame beginning at codon 1895 and leads to a stop codon 23 codons downstream. This variant is expected to result in nonsense mediated decay, truncation, or a dysfunctional protein product. This variant is rare in the general population with a frequency below the threshold expected for the associated phenotype(s). Given the available evidence, this variant is classified as Likely Pathogenic.